The following is an entry in ClinVar:

NM_023014.1(PRAMEF2):c.412T>C (p.Cys138Arg)

Genes: PRAMEF2 (PRAME family member 2; plus strand), LOC126805622 (CDK7 strongly-dependent group 2 enhancer GRCh37_chr1:12919058-12920257; plus strand). Cytogenetic location: 1p36.21.
Variant type: single nucleotide variant.
Coding change: c.412T>C on transcript NM_023014.1 (MANE Select); coding-DNA position 412, T replaced by C.
Protein change: p.Cys138Arg; replaces cysteine 138 with arginine.
Molecular consequence: missense variant.
Genome position (GRCh38, 1-based): chr1:12,859,817, T>C. VCF-style: chr1-12859817-T-C. GRCh37 (hg19) VCF-style: chr1-12919672-T-C.
Other names: short protein forms C138R.
Identifiers: ClinVar variation 3025382 (VCV003025382.22), dbSNP rs139382628, ClinGen allele CA608017.

ClinVar aggregate classification (germline): Likely benign (1 of 4 stars; one submission).

Allele frequency attached by ClinVar (database versions not stated): gnomAD 0.00001; gnomAD exomes 0.00001; TOPMed 0.00001; ExAC 0.00222.
gnomAD v4.1: 11 of 1,607,496 alleles (0.00068%); highest among the groups gnomAD compares: East Asian, 0.016%; no homozygotes.

Submission:

CeGaT Center for Human Genetics Tuebingen
Classification: Likely benign. Last evaluated: 2024-01-01. Review status: criteria provided, single submitter. Criteria: CeGaT Center For Human Genetics Tuebingen Variant Classification Criteria Version 2. Collection method: clinical testing. Allele origin: germline. Affected: yes. Observed: 1 variant allele.
Comment: PRAMEF2: BS2